The following is an entry in ClinVar:

NM_018341.3(ERMARD):c.819A>G (p.Pro273=)

Gene: ERMARD (ER membrane associated RNA degradation; plus strand). Cytogenetic location: 6q27.
Variant type: single nucleotide variant.
Coding change: c.819A>G on transcript NM_018341.3 (MANE Select); coding-DNA position 819, A replaced by G.
Protein change: p.Pro273=; no amino-acid change (proline 273 retained).
Molecular consequence: synonymous variant.
Genome position (GRCh38, 1-based): chr6:169,760,718, A>G. VCF-style: chr6-169760718-A-G. GRCh37 (hg19) VCF-style: chr6-170160814-A-G.
Other names: c.819A>G, p.Pro273= (NM_001278531.2, NM_001278533.2); c.441A>G, p.Pro147= (NM_001278532.2).
Identifiers: ClinVar variation 384837 (VCV000384837.12), dbSNP rs149907871, ClinGen allele CA4105999.

ClinVar aggregate classification (germline): Benign/Likely benign. Review status: criteria provided, multiple submitters, no conflicts (2 of 4 stars). 3 submissions from 3 submitters: Benign (2); Likely benign (1). Last evaluated 2025-10-03.

Allele frequency attached by ClinVar (database versions not stated): gnomAD exomes 0.00044 and 0.00106; ExAC 0.00137; gnomAD 0.00433 and 0.00464; 1000 Genomes Project 30x 0.00437; 1000 Genomes Project 0.00439; ESP Exome Variant Server 0.00454; TOPMed 0.00509.
gnomAD v4.1: 1,343 of 1,613,988 alleles (0.083%); highest among the groups gnomAD compares: African/African-American, 1.6%; 14 homozygotes.

Submissions (3):

Labcorp Genetics (formerly Invitae), Labcorp
Classification: Benign. Last evaluated: 2025-10-03. Review status: criteria provided, single submitter. Criteria: Invitae Variant Classification Sherloc (09022015). Collection method: clinical testing. Allele origin: germline.

Blueprint Genetics
Classification: Likely benign. Last evaluated: 2024-09-02. Review status: criteria provided, single submitter. Criteria: ACMG Guidelines, 2015. Collection method: clinical testing. Allele origin: germline.

GeneDx
Classification: Benign. Last evaluated: 2016-07-11. Review status: criteria provided, single submitter. Criteria: GeneDx Variant Classification (06012015). Collection method: clinical testing. Allele origin: germline. Affected: yes.
Comment: This variant is considered likely benign or benign based on one or more of the following criteria: it is a conservative change, it occurs at a poorly conserved position in the protein, it is predicted to be benign by multiple in silico algorithms, and/or has population frequency not consistent with disease.